The following is an entry in ClinVar:

NM_053025.4(MYLK):c.176A>G (p.Tyr59Cys)

Gene: MYLK (myosin light chain kinase; minus strand). Cytogenetic location: 3q21.1.
Variant type: single nucleotide variant.
Coding change: c.176A>G on transcript NM_053025.4 (MANE Select); coding-DNA position 176, A replaced by G.
Protein change: p.Tyr59Cys; replaces tyrosine 59 with cysteine.
Molecular consequence: missense variant. On other transcripts: intron variant (1).
Genome position (GRCh38, 1-based): chr3:123,752,528, T>C on the plus strand (A>G on the coding strand, the complement: MYLK is on the minus strand). VCF-style: chr3-123752528-T-C. GRCh37 (hg19) VCF-style: chr3-123471375-T-C.
Other names: c.176A>G, p.Tyr59Cys (NM_053026.4, NM_053027.4, NM_053028.4); c.-155-12527A>G (NM_001321309.2); short protein forms Y59C.
Identifiers: ClinVar variation 3766413 (VCV003766413.1).

ClinVar aggregate classification (germline): Uncertain significance (1 of 4 stars; one submission).

gnomAD v4.1: 1 of 1,613,432 alleles (0.000062%); highest among the groups gnomAD compares: Non-Finnish European, 0.000085%; no homozygotes.

Submission:

GeneDx
Classification: Uncertain significance. Last evaluated: 2024-08-27. Review status: criteria provided, single submitter. Criteria: GeneDx Variant Classification Process June 2021. Collection method: clinical testing. Allele origin: germline. Affected: yes.
Comment: Not observed at significant frequency in large population cohorts (gnomAD); In silico analysis supports that this missense variant has a deleterious effect on protein structure/function; Has not been previously published as pathogenic or benign to our knowledge